The following is an entry in ClinVar:

NM_001127511.3(APC):c.165+20760T>C

Gene: APC (APC regulator of Wnt signaling pathway; plus strand). Cytogenetic location: 5q22.2.
Variant type: single nucleotide variant.
Coding change: c.165+20760T>C on transcript NM_001127511.3; 20760 bases into the intron after coding-DNA position 165, T replaced by C.
Molecular consequence: intron variant.
Genome position (GRCh38, 1-based): chr5:112,728,642, T>C. VCF-style: chr5-112728642-T-C. GRCh37 (hg19) VCF-style: chr5-112064339-T-C.
Other names: c.-1054+20760T>C (NM_001407470.1, NM_001407472.1); c.-19+20760T>C (NM_001407447.1, NM_001354895.2, NM_001407456.1 and 3 more transcripts); c.165+20760T>C (NM_001407446.1, NM_001354897.2, NM_001354902.2); c.-19+20993T>C (NM_001407448.1, NM_001407450.1, NM_001407457.1 and 1 more transcripts); c.-43+20993T>C (NM_001407453.1).
Identifiers: ClinVar variation 82294 (VCV000082294.4), dbSNP rs74582704, ClinGen allele CA023501.

ClinVar aggregate classification (germline): other (0 of 4 stars; one submission).

Conditions:
Familial colorectal cancer. Identifiers: MedGen CN280943, MONDO:0023113. Disease mechanism: loss of function.

Submission:

Systems Biology Platform Zhejiang California International NanoSystems Institute
Classification: other for Familial colorectal cancer. Review status: no assertion criteria provided. Collection method: not provided. Allele origin: unknown.
ClinVar note: Converted during submission from cancer to other.